The following is an entry in ClinVar:

ClinVar aggregate classification (germline): Likely pathogenic (1 of 4 stars; one submission).

Submission:

The Shared Resource Centre "Genome", Research Centre for Medical Genetics
Classification: Likely pathogenic. Last evaluated: 2026-09-09. Review status: criteria provided, single submitter. Criteria: ACMG Guidelines, 2015. Collection method: clinical testing. Allele origin: germline. Inheritance: Autosomal dominant inheritance. Affected: yes. Observed: 1 variant allele, 1 heterozygote.
Comment: A previously undescribed de novo nucleotide sequence variant was identified in a heterozygous state in exon 5 of the DYNC1H1 gene (chr14:101980433G>A), resulting in a missense substitution (NM_001376.5: c.844G>A, p.(Glu282Lys)). This variant is not recorded in the Genome Aggregation Database (gnomAD) control cohort. Pathogenicity prediction algorithms for missense variants (fathmm_MKL_coding, M_CAP, PROVEAN, SIFT, Polyphen2_HVAR, Polyphen2_HDIV, DEOGEN2, LRT, PrimateAI) classify this variant as likely pathogenic, whereas FATHMM and MutationAssessor classify it as neutral. Comprehensive pathogenicity assessment by meta-predictors yields the following results: MetaSVM – neutral, MetaLR – neutral. Heterozygous variants in the DYNC1H1 gene have been described in patients with Charcot-Marie-Tooth disease, axonal, type 2O (OMIM: 614228); Spinal muscular atrophy, lower extremity-predominant 1, AD (OMIM: 158600); and Cortical dysplasia, complex, with other brain malformations 13 (OMIM: 614563). Based on the totality of the data, this variant should be classified as likely pathogenic.

NM_001376.5(DYNC1H1):c.844G>A (p.Glu282Lys)

Gene: DYNC1H1 (dynein cytoplasmic 1 heavy chain 1; plus strand). Cytogenetic location: 14q32.31.
Variant type: single nucleotide variant.
Coding change: c.844G>A on transcript NM_001376.5 (MANE Select); coding-DNA position 844, G replaced by A.
Protein change: p.Glu282Lys; replaces glutamic acid 282 with lysine.
Molecular consequence: missense variant.
Genome position (GRCh38, 1-based): chr14:101,980,433, G>A. VCF-style: chr14-101980433-G-A. GRCh37 (hg19) VCF-style: chr14-102446770-G-A.
Other names: short protein forms E282K.
Identifiers: ClinVar variation 4974969 (VCV004974969.1).